The following is an entry in ClinVar:

ClinVar aggregate classification (germline): Uncertain significance (1 of 4 stars; one submission).

Conditions:
Symmetrical dyschromatosis of extremities (DSH). Also called: DYSCHROMATOSIS SYMMETRICA HEREDITARIA 1; RETICULATE ACROPIGMENTATION OF DOHI; SYMMETRIC DYSCHROMATOSIS OF THE EXTREMITIES; Dyschromatosis symmetrica hereditaria. Identifiers: Orphanet 41, MedGen C0406775, MONDO:0007483, OMIM 127400.
Aicardi-Goutieres syndrome 6 (AGS6). Identifiers: Orphanet 51, MedGen C3539013, MONDO:0014007, OMIM 615010.

Allele frequency attached by ClinVar (database versions not stated): gnomAD exomes below 0.00001.
gnomAD v4.1: 2 of 1,614,008 alleles (0.00012%); highest among the groups gnomAD compares: Non-Finnish European, 0.00017%; no homozygotes.

Submission:

Labcorp Genetics (formerly Invitae), Labcorp
Classification: Uncertain significance for Aicardi-Goutieres syndrome 6; Symmetrical dyschromatosis of extremities. Last evaluated: 2023-08-01. Review status: criteria provided, single submitter. Criteria: Invitae Variant Classification Sherloc (09022015). Collection method: clinical testing. Allele origin: germline.
Comment: In summary, the available evidence is currently insufficient to determine the role of this variant in disease. Therefore, it has been classified as a Variant of Uncertain Significance. An algorithm developed to predict the effect of missense changes on protein structure and function (PolyPhen-2) suggests that this variant is likely to be disruptive. This variant has not been reported in the literature in individuals affected with ADAR-related conditions. This variant is not present in population databases (gnomAD no frequency). This sequence change replaces tyrosine, which is neutral and polar, with cysteine, which is neutral and slightly polar, at codon 177 of the ADAR protein (p.Tyr177Cys).

NM_001111.5(ADAR):c.530A>G (p.Tyr177Cys)

Gene: ADAR (adenosine deaminase RNA specific; minus strand). Cytogenetic location: 1q21.3.
Variant type: single nucleotide variant.
Coding change: c.530A>G on transcript NM_001111.5 (MANE Select); coding-DNA position 530, A replaced by G.
Protein change: p.Tyr177Cys; replaces tyrosine 177 with cysteine.
Molecular consequence: missense variant. On other transcripts: 5 prime UTR variant (6).
Genome position (GRCh38, 1-based): chr1:154,602,112, T>C on the plus strand (A>G on the coding strand, the complement: ADAR is on the minus strand). VCF-style: chr1-154602112-T-C. GRCh37 (hg19) VCF-style: chr1-154574588-T-C.
Other names: c.-356A>G (NM_001025107.3, NM_001193495.2, NM_001365046.1 and 3 more transcripts); c.557A>G, p.Tyr186Cys (NM_001365045.1); c.530A>G, p.Tyr177Cys (NM_015840.4, NM_015841.4); short protein forms Y177C, Y186C.
Identifiers: ClinVar variation 2942951 (VCV002942951.3), dbSNP rs1697921742, ClinGen allele CA342601550.
Genomic context (GRCh38, chr1:154,602,112, plus strand): 5'-ATTTTCCACAAAGGGGGTGTTCCTGCCTCTTTCTGTAGCTTGCCCTTCTTTGCCAGGGAG[T>C]ATAAAACTCGATTGATTTCTTTCTTCGGAGTCCCAAGTTTCCCAGACAGATCATGTGCTG-3'
Protein context (NP_001102.3, residues 167-187): TPKKEINRVL[Tyr177Cys]SLAKKGKLQK